The following is an entry in ClinVar:

ClinVar aggregate classification (germline): Uncertain significance. Review status: criteria provided, multiple submitters, no conflicts (2 of 4 stars). 2 submissions from 2 submitters: Uncertain significance (2). Last evaluated 2023-08-23.

Conditions:
Mosaic variegated aneuploidy syndrome 1 (MVA1). Also called: Warburton-Anyane-Yeboa syndrome. Identifiers: Orphanet 1052, MedGen C1850343, MONDO:0009759, OMIM 257300.
Inborn genetic diseases. Identifiers: MedGen C0950123, MeSH D030342.

Submissions (2):

Labcorp Genetics (formerly Invitae), Labcorp
Classification: Uncertain significance for Mosaic variegated aneuploidy syndrome 1. Last evaluated: 2023-08-23. Review status: criteria provided, single submitter. Criteria: Invitae Variant Classification Sherloc (09022015). Collection method: clinical testing. Allele origin: germline.
Comment: In summary, the available evidence is currently insufficient to determine the role of this variant in disease. Therefore, it has been classified as a Variant of Uncertain Significance. An algorithm developed to predict the effect of missense changes on protein structure and function (PolyPhen-2) suggests that this variant is likely to be disruptive. ClinVar contains an entry for this variant (Variation ID: 1784958). This variant has not been reported in the literature in individuals affected with BUB1B-related conditions. This variant is not present in population databases (gnomAD no frequency). This sequence change replaces serine, which is neutral and polar, with phenylalanine, which is neutral and non-polar, at codon 682 of the BUB1B protein (p.Ser682Phe).

Ambry Genetics
Classification: Uncertain significance for Inborn genetic diseases. Last evaluated: 2021-07-23. Review status: criteria provided, single submitter. Criteria: Ambry Variant Classification Scheme 2023. Collection method: clinical testing. Allele origin: germline.
Comment: The p.S682F variant (also known as c.2045C>T), located in coding exon 16 of the BUB1B gene, results from a C to T substitution at nucleotide position 2045. The serine at codon 682 is replaced by phenylalanine, an amino acid with highly dissimilar properties. This amino acid position is conserved. In addition, this alteration is predicted to be tolerated by in silico analysis. Since supporting evidence is limited at this time, the clinical significance of this alteration remains unclear.

NM_001211.6(BUB1B):c.2045C>T (p.Ser682Phe)

Gene: BUB1B (BUB1 mitotic checkpoint serine/threonine kinase B; plus strand). Cytogenetic location: 15q15.1.
Variant type: single nucleotide variant.
Coding change: c.2045C>T on transcript NM_001211.6 (MANE Select); coding-DNA position 2045, C replaced by T.
Protein change: p.Ser682Phe; replaces serine 682 with phenylalanine.
Molecular consequence: missense variant.
Genome position (GRCh38, 1-based): chr15:40,208,672, C>T. VCF-style: chr15-40208672-C-T. GRCh37 (hg19) VCF-style: chr15-40500873-C-T.
Other names: short protein forms S682F.
Identifiers: ClinVar variation 1784958 (VCV001784958.5), dbSNP rs2542569534, ClinGen allele CA391693410.
Genomic context (GRCh38, chr15:40,208,672, plus strand): 5'-ATTAACTTATTTTTGATTCTTTTAGCCCAATTATTGAAGACAGTCGTGAAGCCACACACT[C>T]CTCTGGCTTCTCTGGTTCTTCTGCCTCGGTTGCAAGCACCTCCTCCATCAAATGTCTTCA-3'
Protein context (NP_001202.5, residues 672-692): IIEDSREATH[Ser682Phe]SGFSGSSASV